The following is an entry in ClinVar:

ClinVar aggregate classification (germline): Uncertain significance (1 of 4 stars; one submission).

Conditions:
Cardiomyopathy (CMYO). Also called: Cardiomyopathies. Identifiers: Orphanet 167848, MedGen C0878544, MONDO:0004994, HP:0001638. Inheritance: Various modes of inheritance.

Submission:

Color Diagnostics, LLC DBA Color Health
Classification: Uncertain significance for Cardiomyopathy. Last evaluated: 2024-03-07. Review status: criteria provided, single submitter. Criteria: ACMG Guidelines, 2015. Collection method: clinical testing. Allele origin: germline.
Comment: This missense variant replaces serine with asparagine at codon 566 of the DSG2 protein. Computational prediction suggests that this variant may not impact protein structure and function (internally defined REVEL score threshold <= 0.5, PMID: 27666373). To our knowledge, functional studies have not been reported for this variant. This variant has not been reported in individuals affected with cardiovascular disorders in the literature. This variant has not been identified in the general population by the Genome Aggregation Database (gnomAD). The available evidence is insufficient to determine the role of this variant in disease conclusively. Therefore, this variant is classified as a Variant of Uncertain Significance.

NM_001943.5(DSG2):c.1697G>A (p.Ser566Asn)

Gene: DSG2 (desmoglein 2; plus strand). Cytogenetic location: 18q12.1.
Variant type: single nucleotide variant.
Coding change: c.1697G>A on transcript NM_001943.5 (MANE Select); coding-DNA position 1697, G replaced by A.
Protein change: p.Ser566Asn; replaces serine 566 with asparagine.
Molecular consequence: missense variant.
Genome position (GRCh38, 1-based): chr18:31,538,796, G>A. VCF-style: chr18-31538796-G-A. GRCh37 (hg19) VCF-style: chr18-29118759-G-A.
Other names: short protein forms S566N.
Identifiers: ClinVar variation 2775229 (VCV002775229.2), dbSNP rs2510918916, ClinGen allele CA402137074.